The following is an entry in ClinVar:

NM_000059.4(BRCA2):c.4972C>T (p.Gln1658Ter)

Gene: BRCA2 (BRCA2 DNA repair associated; plus strand). Cytogenetic location: 13q13.1.
Variant type: single nucleotide variant.
Coding change: c.4972C>T on transcript NM_000059.4 (MANE Select); coding-DNA position 4972, C replaced by T.
Protein change: p.Gln1658Ter; replaces glutamine 1658 with a stop codon.
Molecular consequence: nonsense.
Genome position (GRCh38, 1-based): chr13:32,339,327, C>T. VCF-style: chr13-32339327-C-T. GRCh37 (hg19) VCF-style: chr13-32913464-C-T.
Other names: short protein forms Q1658*.
Identifiers: ClinVar variation 254546 (VCV000254546.8), dbSNP rs886038114, ClinGen allele CA10586532.

ClinVar aggregate classification (germline): Pathogenic. Review status: reviewed by expert panel (3 of 4 stars). 5 submissions from 5 submitters: Pathogenic (1). 4 of the submissions do not count toward it. Last evaluated 2016-09-08.

Conditions:
Hereditary cancer-predisposing syndrome. Also called: Tumor predisposition; Hereditary Cancer Syndrome; Neoplastic Syndromes, Hereditary; Hereditary neoplastic syndrome. Identifiers: Orphanet 140162, MedGen C0027672, MeSH D009386, MONDO:0015356.
Hereditary breast ovarian cancer syndrome. Also called: Hereditary breast and ovarian cancer; Breast and ovarian cancer; Hereditary breast and/or ovarian cancer syndrome; BRCA1- and BRCA2-Associated Hereditary Breast and Ovarian Cancer; Hereditary breast and ovarian cancer syndrome; Hereditary breast and ovarian cancer syndrome (HBOC). Identifiers: Orphanet 145, MedGen C0677776, MeSH D061325, MONDO:0003582. Disease mechanism: loss of function.
Breast-ovarian cancer, familial, susceptibility to, 2 (BROVCA2). Also called: BRCA2 Hereditary Breast and Ovarian Cancer. Identifiers: Orphanet 145, MedGen C2675520, MONDO:0012933, OMIM 612555. Disease mechanism: loss of function.

Allele frequency attached by ClinVar (database versions not stated): TOPMed below 0.00001.

Submissions (5):

Evidence-based Network for the Interpretation of Germline Mutant Alleles (ENIGMA)
Classification: Pathogenic for Breast-ovarian cancer, familial, susceptibility to, 2. Last evaluated: 2016-09-08. Review status: reviewed by expert panel. Criteria: ENIGMA BRCA1/2 Classification Criteria (2015). Collection method: curation. Allele origin: germline.
Comment: Variant allele predicted to encode a truncated non-functional protein.

Labcorp Genetics (formerly Invitae), Labcorp
Classification: Pathogenic for Hereditary breast ovarian cancer syndrome. Last evaluated: 2025-09-27. Review status: criteria provided, single submitter. Criteria: Invitae Variant Classification Sherloc (09022015). Collection method: clinical testing. Allele origin: germline. Not counted in ClinVar's aggregate classification.
Comment: This sequence change creates a premature translational stop signal (p.Gln1658*) in the BRCA2 gene. It is expected to result in an absent or disrupted protein product. Loss-of-function variants in BRCA2 are known to be pathogenic (PMID: 20104584). This variant is not present in population databases (gnomAD no frequency). This premature translational stop signal has been observed in individual(s) with a personal or family history of breast and/or ovarian cancer (PMID: 24094589, 31263054). ClinVar contains an entry for this variant (Variation ID: 254546). For these reasons, this variant has been classified as Pathogenic.

Ambry Genetics
Classification: Pathogenic for Hereditary cancer-predisposing syndrome. Last evaluated: 2020-04-28. Review status: criteria provided, single submitter. Criteria: Ambry Variant Classification Scheme 2023. Collection method: clinical testing. Allele origin: germline. Not counted in ClinVar's aggregate classification.
Comment: The p.Q1658* pathogenic mutation (also known as c.4972C>T), located in coding exon 10 of the BRCA2 gene, results from a C to T substitution at nucleotide position 4972. This changes the amino acid from a glutamine to a stop codon within coding exon 10. This mutation has been previously reported in an individual with hereditary breast cancer as well as an individual with invasive lobular breast cancer (Bosdet IE et al. J Mol Diagn, 2013 Nov;15:796-809; Petridis C et al. Cancer Epidemiol. Biomarkers Prev., 2019 07;28:1162-1168). In addition to the clinical data presented in the literature, this alteration is expected to result in loss of function by premature protein truncation or nonsense-mediated mRNA decay. As such, this alteration is interpreted as a disease-causing mutation.

Women's Health and Genetics/Laboratory Corporation of America, LabCorp
Classification: Pathogenic for Hereditary breast and ovarian cancer syndrome. Last evaluated: 2020-04-27. Review status: criteria provided, single submitter. Criteria: LabCorp Variant Classification Summary - May 2015. Collection method: clinical testing. Allele origin: germline. Not counted in ClinVar's aggregate classification.
Comment: Variant summary: BRCA2 c.4972C>T (p.Gln1658X) results in a premature termination codon, predicted to cause a truncation of the encoded protein or absence of the protein due to nonsense mediated decay, which are commonly known mechanisms for disease. Truncations downstream of this position have been classified as pathogenic by our laboratory. The variant was absent in 238208 control chromosomes. c.4972C>T has been reported in the literature in at-least one individual affected with Hereditary Breast And Ovarian Cancer Syndrome (example, Bosdet_2013) and as a somatic variant in a patient with breast cancer (example, Davies_2018 and Nik-Zainal_2016). To our knowledge, no experimental evidence demonstrating an impact on protein function has been reported. One expert panel (ENIGMA) and one clinical diagnostic laboratory have submitted clinical-significance assessments for this variant to ClinVar after 2014 without evidence for independent evaluation. All submitters classified the variant as pathogenic. Based on the evidence outlined above, the variant was classified as pathogenic.

GeneDx
Classification: Pathogenic. Last evaluated: 2017-06-01. Review status: criteria provided, single submitter. Criteria: GeneDx Variant Classification (06012015). Collection method: clinical testing. Allele origin: germline. Affected: yes. Not counted in ClinVar's aggregate classification.
Comment: The Q1658X variant in the BRCA2 gene has not, to our knowledge, been published in the literature as a germlinevariant, but has been reported as a somatic variant in a breast tumor (Nik-Zainal et al., 2016). This substitutioncreates a nonsense variant, which changes a Glutamine to a premature stop codon (CAG>TAG), and is predicted tocause loss of normal protein function through either protein truncation or nonsense-mediated mRNA decay. Based onthe ACMG recommendations, Q1658X is interpreted as a known pathogenic sequence change

Literature cited by the submitters: PubMed 20104584 (cited by Labcorp Genetics (formerly Invitae), Labcorp); PubMed 24094589 (cited by 3 submitters); PubMed 31263054 (cited by Labcorp Genetics (formerly Invitae), Labcorp and Ambry Genetics); PubMed 28288110 (cited by Women's Health and Genetics/Laboratory Corporation of America, LabCorp); PubMed 27135926 (cited by Women's Health and Genetics/Laboratory Corporation of America, LabCorp).